The following is an entry in ClinVar:

NM_006322.6(TUBGCP3):c.1935C>T (p.Asp645=)

Gene: TUBGCP3 (tubulin gamma complex component 3; minus strand). Cytogenetic location: 13q34.
Variant type: single nucleotide variant.
Coding change: c.1935C>T on transcript NM_006322.6 (MANE Select); coding-DNA position 1935, C replaced by T.
Protein change: p.Asp645=; no amino-acid change (aspartic acid 645 retained).
Molecular consequence: synonymous variant.
Genome position (GRCh38, 1-based): chr13:112,518,990, G>A on the plus strand (C>T on the coding strand, the complement: TUBGCP3 is on the minus strand). VCF-style: chr13-112518990-G-A. GRCh37 (hg19) VCF-style: chr13-113173304-G-A.
Other names: c.1905C>T, p.Asp635= (NM_001286277.2); c.1935C>T, p.Asp645= (NM_001286278.2).
Identifiers: ClinVar variation 3388176 (VCV003388176.14).

ClinVar aggregate classification (germline): Likely benign (1 of 4 stars; one submission).

gnomAD v4.1: 465 of 1,613,408 alleles (0.029%); highest among the groups gnomAD compares: Non-Finnish European, 0.031%; no homozygotes.

Submission:

CeGaT Center for Human Genetics Tuebingen
Classification: Likely benign. Last evaluated: 2024-11-01. Review status: criteria provided, single submitter. Criteria: CeGaT Center For Human Genetics Tuebingen Variant Classification Criteria Version 2. Collection method: clinical testing. Allele origin: germline. Affected: yes. Observed: 1 variant allele.
Comment: TUBGCP3: BP4, BP7